The following is an entry in ClinVar:

ClinVar aggregate classification (germline): Uncertain significance (1 of 4 stars; one submission).

Conditions:
Gastrointestinal stromal tumor. Also called: Gastrointestinal stromal tumor, somatic; Gastrointestinal stroma tumor. Identifiers: Orphanet 44890, MedGen C0238198, MeSH D046152, MONDO:0011719, OMIM 606764, HP:0100723.

Submission:

Labcorp Genetics (formerly Invitae), Labcorp
Classification: Uncertain significance for Gastrointestinal stromal tumor. Last evaluated: 2023-08-02. Review status: criteria provided, single submitter. Criteria: Invitae Variant Classification Sherloc (09022015). Collection method: clinical testing. Allele origin: germline.
Comment: This variant has not been reported in the literature in individuals affected with PDGFRA-related conditions. Advanced modeling of protein sequence and biophysical properties (such as structural, functional, and spatial information, amino acid conservation, physicochemical variation, residue mobility, and thermodynamic stability) performed at Invitae indicates that this missense variant is not expected to disrupt PDGFRA protein function. In summary, the available evidence is currently insufficient to determine the role of this variant in disease. Therefore, it has been classified as a Variant of Uncertain Significance. This variant is not present in population databases (gnomAD no frequency). This sequence change replaces phenylalanine, which is neutral and non-polar, with tyrosine, which is neutral and polar, at codon 50 of the PDGFRA protein (p.Phe50Tyr).

NM_006206.6(PDGFRA):c.149T>A (p.Phe50Tyr)

Gene: PDGFRA (platelet derived growth factor receptor alpha; plus strand). Cytogenetic location: 4q12.
Variant type: single nucleotide variant.
Coding change: c.149T>A on transcript NM_006206.6 (MANE Select); coding-DNA position 149, T replaced by A.
Protein change: p.Phe50Tyr; replaces phenylalanine 50 with tyrosine.
Molecular consequence: missense variant.
Genome position (GRCh38, 1-based): chr4:54,261,194, T>A. VCF-style: chr4-54261194-T-A. GRCh37 (hg19) VCF-style: chr4-55127361-T-A.
Other names: c.149T>A, p.Phe50Tyr (NM_001347827.2, NM_001347829.2); c.224T>A, p.Phe75Tyr (NM_001347828.2); c.188T>A, p.Phe63Tyr (NM_001347830.2); short protein forms F50Y, F75Y, F63Y.
Identifiers: ClinVar variation 2749196 (VCV002749196.3), dbSNP rs1722684084, ClinGen allele CA356888352.